The following is an entry in ClinVar:

ClinVar aggregate classification (germline): Likely benign. Review status: criteria provided, single submitter (1 of 4 stars). 2 submissions from 2 submitters: Likely benign (1). 1 of the submissions does not count toward it. Last evaluated 2023-03-23.

Conditions:
Hereditary cancer-predisposing syndrome. Also called: Neoplastic Syndromes, Hereditary; Tumor predisposition; Hereditary neoplastic syndrome; Hereditary Cancer Syndrome. Identifiers: Orphanet 140162, MedGen C0027672, MeSH D009386, MONDO:0015356.

Submissions (2):

University of Washington Department of Laboratory Medicine, University of Washington
Classification: Likely benign for Hereditary cancer-predisposing syndrome. Last evaluated: 2023-03-23. Review status: criteria provided, single submitter. Criteria: Dines et al. (Genet Med. 2020). Collection method: curation. Allele origin: germline.
Comment: Missense variant in a coldspot region where missense variants are very unlikely to be pathogenic (PMID:31911673).

BRCA1 coldspot (exon 11 using historical exon numbering). Reclassification based on statistical prior probability

Clinical Genetics DNA and cytogenetics Diagnostics Lab, Erasmus MC, Erasmus Medical Center
Classification: Likely benign. Review status: no assertion criteria provided. Collection method: clinical testing. Allele origin: germline. Affected: yes. Study: VKGL Data-share Consensus. Not counted in ClinVar's aggregate classification.

NM_007294.4(BRCA1):c.1643T>G (p.Ile548Ser)

Gene: BRCA1 (BRCA1 DNA repair associated; minus strand). Cytogenetic location: 17q21.31.
Variant type: single nucleotide variant.
Coding change: c.1643T>G on transcript NM_007294.4 (MANE Select); coding-DNA position 1643, T replaced by G.
Protein change: p.Ile548Ser; replaces isoleucine 548 with serine.
Molecular consequence: missense variant. On other transcripts: intron variant (137).
Genome position (GRCh38, 1-based): chr17:43,093,888, A>C on the plus strand (T>G on the coding strand, the complement: BRCA1 is on the minus strand). VCF-style: chr17-43093888-A-C. GRCh37 (hg19) VCF-style: chr17-41245905-A-C.
Other names: c.1430T>G, p.Ile477Ser (NM_001407571.1, NM_001407853.1, NM_001407894.1 and 9 more transcripts); c.1643T>G, p.Ile548Ser (NM_001407581.1, NM_001407582.1, NM_001407583.1 and 30 more transcripts); c.1640T>G, p.Ile547Ser (NM_001407587.1, NM_001407590.1, NM_001407591.1 and 22 more transcripts); c.1634T>G, p.Ile545Ser (NM_001407646.1, NM_001407647.1); c.1520T>G, p.Ile507Ser (NM_001407648.1, NM_001407664.1, NM_001407665.1 and 19 more transcripts); c.1517T>G, p.Ile506Ser (NM_001407649.1, NM_001407670.1, NM_001407671.1 and 11 more transcripts); c.1565T>G, p.Ile522Ser (NM_001407653.1, NM_001407654.1, NM_001407655.1 and 4 more transcripts); c.1562T>G, p.Ile521Ser (NM_001407659.1, NM_001407660.1, NM_001407661.1 and 1 more transcripts); and 40 more; short protein forms I501S, I548S, I420S, I459S, I460S, I477S, I480S, I421S.
Identifiers: ClinVar variation 1209888 (VCV001209888.6), dbSNP rs2154432348, ClinGen allele CA10598748.